The following is an entry in ClinVar:

ClinVar aggregate classification (germline): Uncertain significance (1 of 4 stars; one submission).

Submission:

Labcorp Genetics (formerly Invitae), Labcorp
Classification: Uncertain significance. Last evaluated: 2020-09-04. Review status: criteria provided, single submitter. Criteria: Invitae Variant Classification Sherloc (09022015). Collection method: clinical testing. Allele origin: germline.
Comment: This sequence change creates a premature translational stop signal (p.Lys138Serfs*5) in the DTHD1 gene. It is expected to result in an absent or disrupted protein product. This variant is not present in population databases (ExAC no frequency). This variant has not been reported in the literature in individuals with DTHD1-related conditions. The current clinical and genetic evidence is not sufficient to establish whether loss-of-function variants in DTHD1 cause disease. In summary, the available evidence is currently insufficient to determine the role of this variant in disease. Therefore, it has been classified as a Variant of Uncertain Significance.

NM_001170700.3(DTHD1):c.1283_1286del (p.Lys428fs)

Gene: DTHD1 (death domain containing 1; plus strand). Cytogenetic location: 4p14.
Variant type: Microsatellite.
Coding change: c.1283_1286del on transcript NM_001170700.3 (MANE Select); coding-DNA positions 1283 to 1286, 4 bases deleted (AAGA; older notation c.1283_1286delAAGA).
Protein change: p.Lys428fs; shifts the reading frame from lysine 428.
Molecular consequence: frameshift variant. On other transcripts: non-coding transcript variant (1).
Genome position (GRCh38, 1-based): chr4:36,293,590-36,293,593, AAGA deleted; deleting any 4 consecutive bases within chr4:36,293,585-36,293,593 gives the same sequence; the c. name uses the placement nearest the transcript's 3' end. VCF-style (leftmost placement, unchanged base first): chr4-36293584-TAAAG-T. GRCh37 (hg19) VCF-style: chr4-36295206-TAAAG-T.
Other names: c.413_416del, p.Lys138fs (NM_001136536.5); short protein forms K138fs, K428fs.
Identifiers: ClinVar variation 1004683 (VCV001004683.6), ClinGen allele CA551141837.
Genomic context (GRCh38, chr4:36,293,584, plus strand): 5'-AGGGGACCTGTGCTTCAGTAAAAGTTTACAAATTGGGTATCTTTTCTGTTGTGTCTTGTT[TAAAG>T]AAAGAGTCGTTCACAGTAACAAAGAAAGGCCTCGCTCTTAAGTCAAGCATGGATTCCCGA-3'